The following is an entry in ClinVar:

ClinVar aggregate classification (germline): Uncertain significance. Review status: criteria provided, multiple submitters, no conflicts (2 of 4 stars). 3 submissions from 3 submitters: Uncertain significance (3). Last evaluated 2025-01-31.

Conditions:
Inborn genetic diseases. Identifiers: MedGen C0950123, MeSH D030342.

gnomAD v4.1: 1 of 1,613,926 alleles (0.000062%); highest among the groups gnomAD compares: African/African-American, 0.0013%; no homozygotes.

Submissions (3):

GeneDx
Classification: Uncertain significance. Last evaluated: 2025-01-31. Review status: criteria provided, single submitter. Criteria: GeneDx Variant Classification Process June 2021. Collection method: clinical testing. Allele origin: germline. Affected: yes.
Comment: Not observed at significant frequency in large population cohorts (gnomAD); In silico analysis indicates that this missense variant does not alter protein structure/function; Has not been previously published as pathogenic or benign to our knowledge

Labcorp Genetics (formerly Invitae), Labcorp
Classification: Uncertain significance. Last evaluated: 2024-09-16. Review status: criteria provided, single submitter. Criteria: Invitae Variant Classification Sherloc (09022015). Collection method: clinical testing. Allele origin: germline.
Comment: This sequence change replaces threonine, which is neutral and polar, with arginine, which is basic and polar, at codon 545 of the NSD1 protein (p.Thr545Arg). This variant is not present in population databases (gnomAD no frequency). This variant has not been reported in the literature in individuals affected with NSD1-related conditions. Invitae Evidence Modeling of protein sequence and biophysical properties (such as structural, functional, and spatial information, amino acid conservation, physicochemical variation, residue mobility, and thermodynamic stability) indicates that this missense variant is not expected to disrupt NSD1 protein function with a negative predictive value of 95%. In summary, the available evidence is currently insufficient to determine the role of this variant in disease. Therefore, it has been classified as a Variant of Uncertain Significance.

Ambry Genetics
Classification: Uncertain significance for Inborn genetic diseases. Last evaluated: 2023-12-15. Review status: criteria provided, single submitter. Criteria: Ambry Variant Classification Scheme 2023. Collection method: clinical testing. Allele origin: germline.

NM_022455.5(NSD1):c.1634C>G (p.Thr545Arg)

Gene: NSD1 (nuclear receptor binding SET domain protein 1; plus strand). Cytogenetic location: 5q35.3.
Variant type: single nucleotide variant.
Coding change: c.1634C>G on transcript NM_022455.5 (MANE Select); coding-DNA position 1634, C replaced by G.
Protein change: p.Thr545Arg; replaces threonine 545 with arginine.
Molecular consequence: missense variant.
Genome position (GRCh38, 1-based): chr5:177,210,033, C>G. VCF-style: chr5-177210033-C-G. GRCh37 (hg19) VCF-style: chr5-176637034-C-G.
Other names: c.761C>G, p.Thr254Arg (NM_001365684.2, NM_001409306.1, NM_001409307.1 and 3 more transcripts); c.1634C>G, p.Thr545Arg (NM_001409301.1, NM_001409302.1, NM_001409303.1); c.1214C>G, p.Thr405Arg (NM_001409304.1); c.881C>G, p.Thr294Arg (NM_001409305.1); short protein forms T405R, T254R, T545R, T294R.
Identifiers: ClinVar variation 3202262 (VCV003202262.4), dbSNP rs137993153, ClinGen allele CA362310611.